The following is an entry in ClinVar:

NM_006017.3(PROM1):c.554C>T (p.Thr185Ile)

Gene: PROM1 (prominin 1; minus strand). Cytogenetic location: 4p15.32.
Variant type: single nucleotide variant.
Coding change: c.554C>T on transcript NM_006017.3 (MANE Select); coding-DNA position 554, C replaced by T.
Protein change: p.Thr185Ile; replaces threonine 185 with isoleucine.
Molecular consequence: missense variant.
Genome position (GRCh38, 1-based): chr4:16,025,268, G>A on the plus strand (C>T on the coding strand, the complement: PROM1 is on the minus strand). VCF-style: chr4-16025268-G-A. GRCh37 (hg19) VCF-style: chr4-16026891-G-A.
Other names: c.527C>T, p.Thr176Ile (NM_001145847.2, NM_001145848.2, NM_001145851.2 and 4 more transcripts); c.554C>T, p.Thr185Ile (NM_001145849.2, NM_001145850.2); short protein forms T185I, T176I.
Identifiers: ClinVar variation 3002987 (VCV003002987.3), dbSNP rs1730957490, ClinGen allele CA356424793.

ClinVar aggregate classification (germline): Uncertain significance (1 of 4 stars; one submission).

Allele frequency attached by ClinVar (database versions not stated): TOPMed 0.00001.
gnomAD v4.1: 1 of 1,613,924 alleles (0.000062%); highest among the groups gnomAD compares: Non-Finnish European, 0.000085%; no homozygotes.

Submission:

Labcorp Genetics (formerly Invitae), Labcorp
Classification: Uncertain significance. Last evaluated: 2024-02-23. Review status: criteria provided, single submitter. Criteria: Invitae Variant Classification Sherloc (09022015). Collection method: clinical testing. Allele origin: germline.
Comment: This sequence change replaces threonine, which is neutral and polar, with isoleucine, which is neutral and non-polar, at codon 185 of the PROM1 protein (p.Thr185Ile). This variant is not present in population databases (gnomAD no frequency). This variant has not been reported in the literature in individuals affected with PROM1-related conditions. Advanced modeling of protein sequence and biophysical properties (such as structural, functional, and spatial information, amino acid conservation, physicochemical variation, residue mobility, and thermodynamic stability) has been performed at Invitae for this missense variant, however the output from this modeling did not meet the statistical confidence thresholds required to predict the impact of this variant on PROM1 protein function. In summary, the available evidence is currently insufficient to determine the role of this variant in disease. Therefore, it has been classified as a Variant of Uncertain Significance.